The following is an entry in ClinVar:

ClinVar aggregate classification (germline): Uncertain significance (1 of 4 stars; one submission).

Allele frequency attached by ClinVar (database versions not stated): gnomAD exomes below 0.00001; TOPMed below 0.00001; gnomAD 0.00002.
gnomAD v4.1: 9 of 1,555,750 alleles (0.00058%); highest among the groups gnomAD compares: Middle Eastern, 0.017%; no homozygotes.

Submission:

Labcorp Genetics (formerly Invitae), Labcorp
Classification: Uncertain significance. Last evaluated: 2022-08-19. Review status: criteria provided, single submitter. Criteria: Invitae Variant Classification Sherloc (09022015). Collection method: clinical testing. Allele origin: germline.
Comment: This sequence change replaces isoleucine, which is neutral and non-polar, with phenylalanine, which is neutral and non-polar, at codon 178 of the PUS1 protein (p.Ile178Phe). The frequency data for this variant in the population databases is considered unreliable, as metrics indicate poor data quality at this position in the gnomAD database. This variant has not been reported in the literature in individuals affected with PUS1-related conditions. Algorithms developed to predict the effect of missense changes on protein structure and function are either unavailable or do not agree on the potential impact of this missense change (SIFT: "Deleterious"; PolyPhen-2: "Probably Damaging"; Align-GVGD: "Class C15"). In summary, the available evidence is currently insufficient to determine the role of this variant in disease. Therefore, it has been classified as a Variant of Uncertain Significance.

NM_025215.6(PUS1):c.532A>T (p.Ile178Phe)

Gene: PUS1 (pseudouridine synthase 1; plus strand). Cytogenetic location: 12q24.33.
Variant type: single nucleotide variant.
Coding change: c.532A>T on transcript NM_025215.6 (MANE Select); coding-DNA position 532, A replaced by T.
Protein change: p.Ile178Phe; replaces isoleucine 178 with phenylalanine.
Molecular consequence: missense variant.
Genome position (GRCh38, 1-based): chr12:131,939,263, A>T. VCF-style: chr12-131939263-A-T. GRCh37 (hg19) VCF-style: chr12-132423808-A-T.
Other names: c.448A>T, p.Ile150Phe (NM_001002019.3, NM_001002020.3); short protein forms I150F, I178F.
Identifiers: ClinVar variation 2163014 (VCV002163014.1), dbSNP rs1225957774, ClinGen allele CA387298627.